The following is an entry in ClinVar:

NM_025074.7(FRAS1):c.1256-2A>G

Gene: FRAS1 (Fraser extracellular matrix complex subunit 1; plus strand). Cytogenetic location: 4q21.21.
Variant type: single nucleotide variant.
Coding change: c.1256-2A>G on transcript NM_025074.7 (MANE Select); the canonical splice acceptor site of the intron before coding-DNA position 1256, A replaced by G.
Molecular consequence: splice acceptor variant.
Genome position (GRCh38, 1-based): chr4:78,284,403, A>G. VCF-style: chr4-78284403-A-G. GRCh37 (hg19) VCF-style: chr4-79205557-A-G.
Other names: c.1256-2A>G (NM_001166133.2).
Identifiers: ClinVar variation 2858713 (VCV002858713.3), dbSNP rs1003546368, ClinGen allele CA357366024.

ClinVar aggregate classification (germline): Likely pathogenic (1 of 4 stars; one submission).

Allele frequency attached by ClinVar (database versions not stated): gnomAD exomes below 0.00001.
gnomAD v4.1: 1 of 1,613,772 alleles (0.000062%); highest among the groups gnomAD compares: Non-Finnish European, 0.000085%; no homozygotes.

Submission:

Labcorp Genetics (formerly Invitae), Labcorp
Classification: Likely pathogenic. Last evaluated: 2023-04-24. Review status: criteria provided, single submitter. Criteria: Invitae Variant Classification Sherloc (09022015). Collection method: clinical testing. Allele origin: germline.
Comment: Algorithms developed to predict the effect of sequence changes on RNA splicing suggest that this variant may disrupt the consensus splice site. This variant has not been reported in the literature in individuals affected with FRAS1-related conditions. This variant is not present in population databases (gnomAD no frequency). This sequence change affects an acceptor splice site in intron 12 of the FRAS1 gene. It is expected to disrupt RNA splicing. Variants that disrupt the donor or acceptor splice site typically lead to a loss of protein function (PMID: 16199547), and loss-of-function variants in FRAS1 are known to be pathogenic (PMID: 12766769, 18671281). In summary, the currently available evidence indicates that the variant is pathogenic, but additional data are needed to prove that conclusively. Therefore, this variant has been classified as Likely Pathogenic.

Literature cited by the submitters: PubMed 16199547; PubMed 12766769; PubMed 18671281.